The following is an entry in ClinVar:

ClinVar aggregate classification (germline): Uncertain significance. Review status: criteria provided, multiple submitters, no conflicts (2 of 4 stars). 2 submissions from 2 submitters: Uncertain significance (2). Last evaluated 2025-12-26.

Conditions:
TELO2-related intellectual disability-neurodevelopmental disorder. Also called: You-Hoover-Fong syndrome. Identifiers: Orphanet 488642, MedGen C4310778, MONDO:0014848, OMIM 616954.

gnomAD v4.1: 1 of 1,574,256 alleles (0.000064%); highest among the groups gnomAD compares: East Asian, 0.0024%; no homozygotes.

Submissions (2):

3billion
Classification: Uncertain significance for TELO2-related intellectual disability-neurodevelopmental disorder. Last evaluated: 2025-12-26. Review status: criteria provided, single submitter. Criteria: ACMG Guidelines, 2015. Collection method: clinical testing. Allele origin: germline. Affected: yes.
Comment: The variant is observed at an extremely low frequency in the gnomAD v4.1.0 dataset (total allele frequency: <0.001%). Predicted Consequence/Location: Missense variant Damaging effect on gene or gene product predicted by in silico programs is uncertain [REVEL: 0.56 (damaging >=0.6, benign <0.4), 3Cnet: 0.21 (damaging >0.75, benign <0.1)]. Therefore, this variant is classified as VUS according to the recommendation of ACMG/AMP guideline.

Labcorp Genetics (formerly Invitae), Labcorp
Classification: Uncertain significance. Last evaluated: 2025-04-22. Review status: criteria provided, single submitter. Criteria: Invitae Variant Classification Sherloc (09022015). Collection method: clinical testing. Allele origin: germline.
Comment: This sequence change replaces phenylalanine, which is neutral and non-polar, with leucine, which is neutral and non-polar, at codon 127 of the TELO2 protein (p.Phe127Leu). This variant is present in population databases (rs779063796, gnomAD 0.008%). This variant has not been reported in the literature in individuals affected with TELO2-related conditions. Invitae Evidence Modeling of protein sequence and biophysical properties (such as structural, functional, and spatial information, amino acid conservation, physicochemical variation, residue mobility, and thermodynamic stability) has been performed for this missense variant. However, the output from this modeling did not meet the statistical confidence thresholds required to predict the impact of this variant on TELO2 protein function. In summary, the available evidence is currently insufficient to determine the role of this variant in disease. Therefore, it has been classified as a Variant of Uncertain Significance.

NM_016111.4(TELO2):c.381C>G (p.Phe127Leu)

Gene: TELO2 (telomere maintenance 2; plus strand). Cytogenetic location: 16p13.3.
Variant type: single nucleotide variant.
Coding change: c.381C>G on transcript NM_016111.4 (MANE Select); coding-DNA position 381, C replaced by G.
Protein change: p.Phe127Leu; replaces phenylalanine 127 with leucine.
Molecular consequence: missense variant.
Genome position (GRCh38, 1-based): chr16:1,495,391, C>G. VCF-style: chr16-1495391-C-G. GRCh37 (hg19) VCF-style: chr16-1545392-C-G.
Other names: c.381C>G, p.Phe127Leu (NM_001351846.2); short protein forms F127L.
Identifiers: ClinVar variation 4709802 (VCV004709802.2).